The following is an entry in ClinVar:

ClinVar aggregate classification (germline): Uncertain significance (0 of 4 stars; one submission).

Conditions:
CHD5-related disorder. Also called: CHD5-related condition.

Submission:

PreventionGenetics, part of Exact Sciences
Classification: Uncertain significance for CHD5-related condition. Last evaluated: 2024-08-03. Review status: no assertion criteria provided. Collection method: clinical testing. Allele origin: germline.
Comment: The CHD5 c.1780A>T variant is predicted to result in the amino acid substitution p.Ile594Phe. To our knowledge, this variant has not been reported in the literature or in a large population database, indicating this variant is rare. At this time, the clinical significance of this variant is uncertain due to the absence of conclusive functional and genetic evidence.

NM_015557.3(CHD5):c.1780A>T (p.Ile594Phe)

Gene: CHD5 (chromodomain helicase DNA binding protein 5; minus strand). Cytogenetic location: 1p36.31.
Variant type: single nucleotide variant.
Coding change: c.1780A>T on transcript NM_015557.3 (MANE Select); coding-DNA position 1780, A replaced by T.
Protein change: p.Ile594Phe; replaces isoleucine 594 with phenylalanine.
Molecular consequence: missense variant.
Genome position (GRCh38, 1-based): chr1:6,146,234, T>A on the plus strand (A>T on the coding strand, the complement: CHD5 is on the minus strand). VCF-style: chr1-6146234-T-A. GRCh37 (hg19) VCF-style: chr1-6206294-T-A.
Other names: short protein forms I594F.
Identifiers: ClinVar variation 3346583 (VCV003346583.1).
Genomic context (GRCh38, chr1:6,146,234, plus strand): 5'-CCCAGCGATGGGCAGGGTGGCCGCCTGCAGGCACACACCTATGGTTCAGGATTCGGTGAA[T>A]CATCATCCACTCTGGCTTGATGCCATAGCGGTAGAAGCGCTCCTCCATCTTGGCATAGAG-3'
Protein context (NP_056372.1, residues 584-604): RYGIKPEWMM[Ile594Phe]HRILNHSFDK